The following is an entry in ClinVar:

NM_020937.4(FANCM):c.4841G>A (p.Cys1614Tyr)

Gene: FANCM (FA complementation group M; plus strand). Cytogenetic location: 14q21.2.
Variant type: single nucleotide variant.
Coding change: c.4841G>A on transcript NM_020937.4 (MANE Select); coding-DNA position 4841, G replaced by A.
Protein change: p.Cys1614Tyr; replaces cysteine 1614 with tyrosine.
Molecular consequence: missense variant.
Genome position (GRCh38, 1-based): chr14:45,188,863, G>A. VCF-style: chr14-45188863-G-A. GRCh37 (hg19) VCF-style: chr14-45658066-G-A.
Other names: c.4763G>A, p.Cys1588Tyr (NM_001308133.2); short protein forms C1588Y, C1614Y.
Identifiers: ClinVar variation 4619615 (VCV004619615.1).

ClinVar aggregate classification (germline): Uncertain significance (1 of 4 stars; one submission).

Conditions:
Inborn genetic diseases. Identifiers: MedGen C0950123, MeSH D030342.

gnomAD v4.1: 2 of 1,613,712 alleles (0.00012%); highest among the groups gnomAD compares: South Asian, 0.0022%; no homozygotes.

Submission:

Ambry Genetics
Classification: Uncertain significance for Inborn genetic diseases. Last evaluated: 2025-11-28. Review status: criteria provided, single submitter. Criteria: Ambry Variant Classification Scheme 2023. Collection method: clinical testing. Allele origin: germline.
Comment: The p.C1614Y variant (also known as c.4841G>A), located in coding exon 20 of the FANCM gene, results from a G to A substitution at nucleotide position 4841. The cysteine at codon 1614 is replaced by tyrosine, an amino acid with highly dissimilar properties. This amino acid position is conserved. In addition, this alteration is predicted to be tolerated by in silico analysis. Based on the available evidence, the clinical significance of this variant remains unclear.